The following is an entry in ClinVar:

NM_006015.6(ARID1A):c.1414A>C (p.Asn472His)

Gene: ARID1A (AT-rich interaction domain 1A; plus strand). Cytogenetic location: 1p36.11.
Variant type: single nucleotide variant.
Coding change: c.1414A>C on transcript NM_006015.6 (MANE Select); coding-DNA position 1414, A replaced by C.
Protein change: p.Asn472His; replaces asparagine 472 with histidine.
Molecular consequence: missense variant.
Genome position (GRCh38, 1-based): chr1:26,731,215, A>C. VCF-style: chr1-26731215-A-C. GRCh37 (hg19) VCF-style: chr1-27057706-A-C.
Other names: c.1414A>C, p.Asn472His (NM_139135.4); short protein forms N472H.
Identifiers: ClinVar variation 1326838 (VCV001326838.2), dbSNP rs2124788124, ClinGen allele CA339268012.

ClinVar aggregate classification (germline): Uncertain significance (1 of 4 stars; one submission).

Submission:

GeneDx
Classification: Uncertain significance. Last evaluated: 2021-05-27. Review status: criteria provided, single submitter. Criteria: GeneDx Variant Classification Process June 2021. Collection method: clinical testing. Allele origin: germline. Affected: yes.
Comment: Not observed at significant frequency in large population cohorts (Lek et al., 2016); In silico analysis supports that this missense variant has a deleterious effect on protein structure/function; Has not been previously published as pathogenic or benign to our knowledge